The following is an entry in ClinVar:

ClinVar aggregate classification (germline): Uncertain significance (1 of 4 stars; one submission).

Allele frequency attached by ClinVar (database versions not stated): gnomAD exomes below 0.00001.
gnomAD v4.1: 1 of 1,613,824 alleles (0.000062%); highest among the groups gnomAD compares: Non-Finnish European, 0.000085%; no homozygotes.

Submission:

GeneDx
Classification: Uncertain significance. Last evaluated: 2021-12-06. Review status: criteria provided, single submitter. Criteria: GeneDx Variant Classification Process June 2021. Collection method: clinical testing. Allele origin: germline. Affected: yes.
Comment: Not observed at significant frequency in large population cohorts (gnomAD); In silico analysis supports that this missense variant has a deleterious effect on protein structure/function; Has not been previously published as pathogenic or benign to our knowledge; This variant is associated with the following publications: (PMID: 27164704)

NM_007327.4(GRIN1):c.230C>T (p.Ser77Leu)

Gene: GRIN1 (glutamate ionotropic receptor NMDA type subunit 1; plus strand). Cytogenetic location: 9q34.3.
Variant type: single nucleotide variant.
Coding change: c.230C>T on transcript NM_007327.4 (MANE Select); coding-DNA position 230, C replaced by T.
Protein change: p.Ser77Leu; replaces serine 77 with leucine.
Molecular consequence: missense variant.
Genome position (GRCh38, 1-based): chr9:137,139,716, C>T. VCF-style: chr9-137139716-C-T. GRCh37 (hg19) VCF-style: chr9-140034168-C-T.
Other names: c.230C>T, p.Ser77Leu (NM_000832.7, NM_001185090.2, NM_001185091.2 and 1 more transcripts); short protein forms S77L.
Identifiers: ClinVar variation 1691205 (VCV001691205.2), dbSNP rs2131187092, ClinGen allele CA375713430.